The following is an entry in ClinVar:

NM_001330288.2(SMARCC2):c.640A>G (p.Thr214Ala)

Gene: SMARCC2 (SWI/SNF related BAF chromatin remodeling complex subunit C2; minus strand). Cytogenetic location: 12q13.2.
Variant type: single nucleotide variant.
Coding change: c.640A>G on transcript NM_001330288.2 (MANE Select); coding-DNA position 640, A replaced by G.
Protein change: p.Thr214Ala; replaces threonine 214 with alanine.
Molecular consequence: missense variant.
Genome position (GRCh38, 1-based): chr12:56,182,072, T>C on the plus strand (A>G on the coding strand, the complement: SMARCC2 is on the minus strand). VCF-style: chr12-56182072-T-C. GRCh37 (hg19) VCF-style: chr12-56575856-T-C.
Other names: c.640A>G, p.Thr214Ala (NM_001130420.3, NM_003075.5, NM_139067.4); short protein forms T214A.
Identifiers: ClinVar variation 986054 (VCV000986054.5), dbSNP rs776717020, ClinGen allele CA6626317.
Genomic context (GRCh38, chr12:56,182,072, plus strand): 5'-GTTTCTCAGGAGTTGGAGCATCTTCCACAGATGCCTCAATTTCACTCGCTGGGATCCACG[T>C]GTCGTAACTGCCATGGGAAATTGAGCACACAGTAGAATCAATGGGATAGAATTGTGGAAA-3'
Protein context (NP_001317217.1, residues 204-224): HWGYYPDSYD[Thr214Ala]WIPASEIEAS

ClinVar aggregate classification (germline): Uncertain significance. Review status: criteria provided, multiple submitters, no conflicts (2 of 4 stars). 2 submissions from 2 submitters: Uncertain significance (2). Last evaluated 2021-10-27.

Conditions:
Coffin-Siris syndrome 8. Identifiers: MedGen C5193054, MONDO:0032702, OMIM 618362.
Inborn genetic diseases. Identifiers: MedGen C0950123, MeSH D030342.

Allele frequency attached by ClinVar (database versions not stated): gnomAD exomes below 0.00001 and 0.00001; ExAC 0.00001; gnomAD 0.00001 and 0.00002; TOPMed 0.00001.
gnomAD v4.1: 12 of 1,611,280 alleles (0.00074%); highest among the groups gnomAD compares: African/African-American, 0.0013%; no homozygotes.

Submissions (2):

Fulgent Genetics
Classification: Uncertain significance for Coffin-Siris syndrome 8. Last evaluated: 2021-10-27. Review status: criteria provided, single submitter. Criteria: ACMG Guidelines, 2015. Collection method: clinical testing. Allele origin: unknown.

Ambry Genetics
Classification: Uncertain significance for Inborn genetic diseases. Last evaluated: 2020-02-26. Review status: criteria provided, single submitter. Criteria: Ambry Variant Classification Scheme 2023. Collection method: clinical testing. Allele origin: germline.
Comment: The alteration results in an amino acid change:_x000D_ _x000D_ The c.640A>G (p.T214A) alteration is located in coding exon 8 of the SMARCC2 gene. This alteration results from a A to G substitution at nucleotide position 640, causing the threonine (T) at amino acid position 214 to be replaced by an alanine (A). The alteration is rare in population databases:_x000D_ _x000D_ Based on data from the Genome Aggregation Database (gnomAD), the SMARCC2 c.640A>G alteration was observed in 0.0004% (1/250128) of total alleles studied. The altered amino acid is conserved throughout evolution:_x000D_ _x000D_ The p.T214 amino acid is conserved in available vertebrate species. The alteration is predicted tolerated by in silico modeling:_x000D_ _x000D_ The p.T214A alteration is predicted to be tolerated by in silico analysis. Based on insufficient or conflicting evidence, the clinical significance of this alteration remains unclear.